The following is an entry in ClinVar:

ClinVar aggregate classification (germline): Uncertain significance (1 of 4 stars; one submission).

Conditions:
Malignant hyperthermia, susceptibility to, 5 (MHS5). Also called: CACNA1S-Related Malignant Hyperthermia Susceptibility. Identifiers: Orphanet 423, MedGen C1866077, MONDO:0011163, OMIM 601887.

Submission:

All of Us Research Program, National Institutes of Health
Classification: Uncertain significance for Malignant hyperthermia, susceptibility to, 5. Last evaluated: 2023-08-23. Review status: criteria provided, single submitter. Criteria: ACMG Guidelines, 2015. Collection method: clinical testing. Allele origin: germline. Inheritance: Autosomal dominant inheritance. Observed: 1 variant allele, 1 heterozygote.
Comment: This missense variant replaces glycine with arginine at codon 1576 of the CACNA1S protein. Computational prediction is inconclusive regarding the impact of this variant on protein structure and function (internally defined REVEL score threshold 0.5 < inconclusive < 0.7, PMID: 27666373). To our knowledge, functional studies have not been reported for this variant. This variant has not been reported in individuals affected with CACNA1S-related disorders in the literature. This variant has not been identified in the general population by the Genome Aggregation Database (gnomAD). The available evidence is insufficient to determine the role of this variant in disease conclusively. Therefore, this variant is classified as a Variant of Uncertain Significance.

This study involves interpretation of variants in research participants for the purpose of population health screening. Participant phenotype was not available at the time of variant classification. Additional details can be found in publication PMID: 35346344, PMCID: PMC8962531

NM_000069.3(CACNA1S):c.4726G>A (p.Gly1576Arg)

Gene: CACNA1S (calcium voltage-gated channel subunit alpha1 S; minus strand). Cytogenetic location: 1q32.1.
Variant type: single nucleotide variant.
Coding change: c.4726G>A on transcript NM_000069.3 (MANE Select); coding-DNA position 4726, G replaced by A.
Protein change: p.Gly1576Arg; replaces glycine 1576 with arginine.
Molecular consequence: missense variant.
Genome position (GRCh38, 1-based): chr1:201,044,399, C>T on the plus strand (G>A on the coding strand, the complement: CACNA1S is on the minus strand). VCF-style: chr1-201044399-C-T. GRCh37 (hg19) VCF-style: chr1-201013527-C-T.
Other names: short protein forms G1576R.
Identifiers: ClinVar variation 3073138 (VCV003073138.1), dbSNP rs2464415834, ClinGen allele CA344139640.